The following is an entry in ClinVar:

NM_020778.5(ALPK3):c.2299A>T (p.Lys767Ter)

Gene: ALPK3 (alpha kinase 3; plus strand). Cytogenetic location: 15q25.3.
Variant type: single nucleotide variant.
Coding change: c.2299A>T on transcript NM_020778.5 (MANE Select); coding-DNA position 2299, A replaced by T.
Protein change: p.Lys767Ter; replaces lysine 767 with a stop codon.
Molecular consequence: nonsense.
Genome position (GRCh38, 1-based): chr15:84,857,037, A>T. VCF-style: chr15-84857037-A-T. GRCh37 (hg19) VCF-style: chr15-85400268-A-T.
Other names: short protein forms K767*.
Identifiers: ClinVar variation 3658984 (VCV003658984.2).

ClinVar aggregate classification (germline): Pathogenic (1 of 4 stars; one submission).

Submission:

Labcorp Genetics (formerly Invitae), Labcorp
Classification: Pathogenic. Last evaluated: 2024-07-08. Review status: criteria provided, single submitter. Criteria: Invitae Variant Classification Sherloc (09022015). Collection method: clinical testing. Allele origin: germline.
Comment: This sequence change creates a premature translational stop signal (p.Lys969*) in the ALPK3 gene. It is expected to result in an absent or disrupted protein product. Loss-of-function variants in ALPK3 are known to be pathogenic (PMID: 21441111, 26846950, 27106955, 34263907). This variant is not present in population databases (gnomAD no frequency). This variant has not been reported in the literature in individuals affected with ALPK3-related conditions. For these reasons, this variant has been classified as Pathogenic.

Literature cited by the submitters: PubMed 21441111; PubMed 26846950; PubMed 27106955; PubMed 34263907.